The following is an entry in ClinVar:

NM_201384.3(PLEC):c.5092C>T (p.Arg1698Trp)

Gene: PLEC (plectin; minus strand). Cytogenetic location: 8q24.3.
Variant type: single nucleotide variant.
Coding change: c.5092C>T on transcript NM_201384.3 (MANE Select); coding-DNA position 5092, C replaced by T.
Protein change: p.Arg1698Trp; replaces arginine 1698 with tryptophan.
Molecular consequence: missense variant.
Genome position (GRCh38, 1-based): chr8:143,924,837, G>A on the plus strand (C>T on the coding strand, the complement: PLEC is on the minus strand). VCF-style: chr8-143924837-G-A. GRCh37 (hg19) VCF-style: chr8-144999005-G-A.
Other names: c.5173C>T, p.Arg1725Trp (NM_000445.5); c.5050C>T, p.Arg1684Trp (NM_201378.4); c.5026C>T, p.Arg1676Trp (NM_201379.3); c.5503C>T, p.Arg1835Trp (NM_201380.4); c.4996C>T, p.Arg1666Trp (NM_201381.3); c.5092C>T, p.Arg1698Trp (NM_201382.4); c.5104C>T, p.Arg1702Trp (NM_201383.3); short protein forms R1666W, R1676W, R1684W, R1835W, R1698W, R1702W, R1725W.
Identifiers: ClinVar variation 538940 (VCV000538940.12), dbSNP rs201386659, ClinGen allele CA4926436.

ClinVar aggregate classification (germline): Uncertain significance. Review status: criteria provided, multiple submitters, no conflicts (2 of 4 stars). 5 submissions from 5 submitters: Uncertain significance (5). Last evaluated 2025-12-17.

Conditions:
Inborn genetic diseases. Identifiers: MedGen C0950123, MeSH D030342.
Epidermolysis bullosa simplex with nail dystrophy (EBS5D). Identifiers: MedGen C4225309, MONDO:0014661, OMIM 616487.
Epidermolysis bullosa simplex 5B, with muscular dystrophy (EBS5B). Also called: EPIDERMOLYSIS BULLOSA SIMPLEX AND LIMB-GIRDLE MUSCULAR DYSTROPHY; Epidermolysis bullosa simplex with muscular dystrophy. Identifiers: Orphanet 257, MedGen C2931072, MONDO:0009181, OMIM 226670.
Epidermolysis bullosa simplex, Ogna type (EBS5A). Also called: Pidermolysis bullosa simplex 5A, Ogna type; EPIDERMOLYSIS BULLOSA SIMPLEX 5A, OGNA TYPE. Identifiers: Orphanet 79401, MedGen C0432317, MONDO:0007555, OMIM 131950.
Autosomal recessive limb-girdle muscular dystrophy type 2Q (LGMDR17). Also called: MUSCULAR DYSTROPHY, LIMB-GIRDLE, AUTOSOMAL RECESSIVE 17. Identifiers: Orphanet 254361, MedGen C3150989, MONDO:0013390, OMIM 613723.
Epidermolysis bullosa simplex 5C, with pyloric atresia (EBS5C). Also called: PLEC-Related Epidermolysis Bullosa with Pyloric Atresia; Epidermolysis bullosa simplex with pyloric atresia; PLEC1-Related Epidermolysis Bullosa with Pyloric Atresia. Identifiers: Orphanet 158684, MedGen C2677349, MONDO:0012807, OMIM 612138.

Allele frequency attached by ClinVar (database versions not stated): gnomAD exomes 0.00003 and 0.00004; TOPMed 0.00004; gnomAD 0.00006; ExAC 0.00009.
gnomAD v4.1: 68 of 1,573,556 alleles (0.0043%); highest among the groups gnomAD compares: African/African-American, 0.0054%; no homozygotes.

Submissions (5):

Labcorp Genetics (formerly Invitae), Labcorp
Classification: Uncertain significance for Autosomal recessive limb-girdle muscular dystrophy type 2Q; Epidermolysis bullosa simplex, Ogna type; Epidermolysis bullosa simplex with nail dystrophy; Epidermolysis bullosa simplex 5C, with pyloric atresia; Epidermolysis bullosa simplex 5B, with muscular dystrophy. Last evaluated: 2025-12-17. Review status: criteria provided, single submitter. Criteria: Invitae Variant Classification Sherloc (09022015). Collection method: clinical testing. Allele origin: germline.
Comment: This sequence change replaces arginine, which is basic and polar, with tryptophan, which is neutral and slightly polar, at codon 1725 of the PLEC protein (p.Arg1725Trp). This variant is present in population databases (rs201386659, gnomAD 0.009%). This variant has not been reported in the literature in individuals affected with PLEC-related conditions. ClinVar contains an entry for this variant (Variation ID: 538940). Experimental studies and prediction algorithms are not available or were not evaluated, and the functional significance of this variant is currently unknown. In summary, the available evidence is currently insufficient to determine the role of this variant in disease. Therefore, it has been classified as a Variant of Uncertain Significance.

Revvity Omics, Revvity
Classification: Uncertain significance. Last evaluated: 2022-10-01. Review status: criteria provided, single submitter. Criteria: ACMG Guidelines, 2015. Collection method: clinical testing. Allele origin: germline.

GeneDx
Classification: Uncertain significance. Last evaluated: 2022-09-16. Review status: criteria provided, single submitter. Criteria: GeneDx Variant Classification Process June 2021. Collection method: clinical testing. Allele origin: germline. Affected: yes.
Comment: Not observed at significant frequency in large population cohorts (gnomAD); In silico analysis supports that this missense variant has a deleterious effect on protein structure/function; Missense variant in a gene in which most reported pathogenic variants are truncating/loss-of-function; Has not been previously published as pathogenic or benign to our knowledge

Athena Diagnostics
Classification: Uncertain significance. Last evaluated: 2022-07-22. Review status: criteria provided, single submitter. Criteria: Athena Diagnostics Criteria. Collection method: clinical testing. Allele origin: unknown.

Ambry Genetics
Classification: Uncertain significance for Inborn genetic diseases. Last evaluated: 2021-12-06. Review status: criteria provided, single submitter. Criteria: Ambry Variant Classification Scheme 2023. Collection method: clinical testing. Allele origin: germline.